The following is an entry in ClinVar:

ClinVar aggregate classification (germline): Conflicting classifications of pathogenicity. Review status: criteria provided, conflicting classifications (1 of 4 stars). 2 submissions from 2 submitters: Uncertain significance (1); Likely benign (1). Last evaluated 2025-11-03.

Allele frequency attached by ClinVar (database versions not stated): ESP Exome Variant Server 0.00031.

Submissions (2):

Women's Health and Genetics/Laboratory Corporation of America, LabCorp
Classification: Likely benign. Last evaluated: 2025-11-03. Review status: criteria provided, single submitter. Criteria: LabCorp Variant Classification Summary - May 2015. Collection method: clinical testing. Allele origin: germline.
Comment: Variant summary: POLH c.1111C>T (p.Arg371Cys) results in a non-conservative amino acid change in the encoded protein sequence. Algorithms developed to predict the effect of missense changes on protein structure and function are either unavailable or do not agree on the potential impact of this missense change. The variant allele was found at a frequency of 0.00029 in 251356 control chromosomes, predominantly at a frequency of 0.00066 within the Latino subpopulation in the gnomAD database. The observed variant frequency within Latino control individuals in the gnomAD database exceeds the estimated maximal expected allele frequency for disease-causing variants in POLH. To our knowledge, no occurrence of c.1111C>T in individuals affected with POLH-related conditions and no experimental evidence demonstrating its impact on protein function have been reported. ClinVar contains an entry for this variant (Variation ID: 1305654). Based on the evidence outlined above, the variant was classified as likely benign.

GeneDx
Classification: Uncertain significance. Last evaluated: 2019-04-29. Review status: criteria provided, single submitter. Criteria: GeneDx Variant Classification Process June 2021. Collection method: clinical testing. Allele origin: germline. Affected: yes.
Comment: Has not been previously published as pathogenic or benign to our knowledge; This variant is associated with the following publications: (PMID: 30303537)

NM_006502.3(POLH):c.1111C>T (p.Arg371Cys)

Gene: POLH (DNA polymerase eta; plus strand). Cytogenetic location: 6p21.1.
Variant type: single nucleotide variant.
Coding change: c.1111C>T on transcript NM_006502.3 (MANE Select); coding-DNA position 1111, C replaced by T.
Protein change: p.Arg371Cys; replaces arginine 371 with cysteine.
Molecular consequence: missense variant.
Genome position (GRCh38, 1-based): chr6:43,610,590, C>T. VCF-style: chr6-43610590-C-T. GRCh37 (hg19) VCF-style: chr6-43578327-C-T.
Other names: c.739C>T, p.Arg247Cys (NM_001291969.2); c.1111C>T, p.Arg371Cys (NM_001291970.2); short protein forms R247C, R371C.
Identifiers: ClinVar variation 1305654 (VCV001305654.5), dbSNP rs147564503, ClinGen allele CA3827182.
Genomic context (GRCh38, chr6:43,610,590, plus strand): 5'-GGTCTCCATCCTTTCCACCCACAGAATGACAGGGTAGCCACCCAGCTGGTTGTGAGCATT[C>T]GTGTACAAGGAGACAAACGCCTCAGCAGCCTGCGCCGCTGCTGTGCCCTTACCCGCTATG-3'
Protein context (NP_006493.1, residues 361-381): RVATQLVVSI[Arg371Cys]VQGDKRLSSL